The following is an entry in ClinVar:

NM_198060.4(NRAP):c.360+1G>A

Gene: NRAP (nebulin related anchoring protein; minus strand). Cytogenetic location: 10q25.3.
Variant type: single nucleotide variant.
Coding change: c.360+1G>A on transcript NM_198060.4 (MANE Select); the canonical splice donor site of the intron after coding-DNA position 360, G replaced by A.
Molecular consequence: splice donor variant.
Genome position (GRCh38, 1-based): chr10:113,657,469, C>T on the plus strand (G>A on the coding strand, the complement: NRAP is on the minus strand). VCF-style: chr10-113657469-C-T. GRCh37 (hg19) VCF-style: chr10-115417228-C-T.
Other names: c.360+1G>A (NM_006175.5, NM_001322945.2, NM_001261463.2).
Identifiers: ClinVar variation 4882537 (VCV004882537.3).
Genomic context (GRCh38, chr10:113,657,469, plus strand): 5'-CTCAATTGACATAGTATGTCATTCTTTCTTTTTCCAAACCCACTTGTCACTTTTCTCTCA[C>T]CTCATTTGCCAGTGGCTGCCTGTTAGGTGCACCTTCCTTATCCTTGGATTTCATGTCCCA-3'

ClinVar aggregate classification (germline): Uncertain significance. Review status: criteria provided, multiple submitters, no conflicts (2 of 4 stars). 2 submissions from 2 submitters: Uncertain significance (2). Last evaluated 2025-09-30.

gnomAD v4.1: 126 of 1,503,958 alleles (0.0084%); highest among the groups gnomAD compares: African/African-American, 0.15%; no homozygotes.

Submissions (2):

Dasa
Classification: Uncertain significance. Last evaluated: 2025-09-30. Review status: criteria provided, single submitter. Criteria: DASA Assertion Criteria. Collection method: clinical testing. Allele origin: germline.
Comment: NM_198060.4(NRAP):c.360+1G>A affects a canonical splice site and is predicted to disrupt normal RNA splicing. This classification is supported by population frequency inconsistent with a disease-causing role. The currently available literature and clinical evidence are not sufficient to establish a definitive association between this variant and the reported condition. Therefore, this variant is classified as a variant of uncertain significance.

Blueprint Genetics
Classification: Uncertain significance. Last evaluated: 2024-01-30. Review status: criteria provided, single submitter. Criteria: ACMG Guidelines, 2015. Collection method: clinical testing. Allele origin: germline.